The following is an entry in ClinVar:

ClinVar aggregate classification (germline): Uncertain significance (1 of 4 stars; one submission).

Allele frequency attached by ClinVar (database versions not stated): gnomAD exomes below 0.00001; gnomAD 0.00001.
gnomAD v4.1: 7 of 1,367,474 alleles (0.00051%); highest among the groups gnomAD compares: Non-Finnish European, 0.00059%; no homozygotes.

Submission:

Labcorp Genetics (formerly Invitae), Labcorp
Classification: Uncertain significance. Last evaluated: 2023-11-24. Review status: criteria provided, single submitter. Criteria: Invitae Variant Classification Sherloc (09022015). Collection method: clinical testing. Allele origin: germline.
Comment: This sequence change replaces serine, which is neutral and polar, with arginine, which is basic and polar, at codon 1462 of the ERCC6L2 protein (p.Ser1462Arg). This variant is present in population databases (no rsID available, gnomAD 0.0009%). This variant has not been reported in the literature in individuals affected with ERCC6L2-related conditions. Experimental studies and prediction algorithms are not available or were not evaluated, and the functional significance of this variant is currently unknown. In summary, the available evidence is currently insufficient to determine the role of this variant in disease. Therefore, it has been classified as a Variant of Uncertain Significance.

NM_020207.7(ERCC6L2):c.4353T>G (p.Ser1451Arg)

Gene: ERCC6L2 (ERCC excision repair 6 like 2; plus strand). Cytogenetic location: 9q22.32.
Variant type: single nucleotide variant.
Coding change: c.4353T>G on transcript NM_020207.7 (MANE Select); coding-DNA position 4353, T replaced by G.
Protein change: p.Ser1451Arg; replaces serine 1451 with arginine.
Molecular consequence: missense variant. On other transcripts: non-coding transcript variant (1), intron variant (2).
Genome position (GRCh38, 1-based): chr9:96,012,903, T>G. VCF-style: chr9-96012903-T-G. GRCh37 (hg19) VCF-style: chr9-98775185-T-G.
Other names: c.3674+8202T>G (NM_001375291.1, NM_001375292.1); short protein forms S1451R.
Identifiers: ClinVar variation 2777109 (VCV002777109.3), dbSNP rs1391232075, ClinGen allele CA466123262.